The following is an entry in ClinVar:

NM_019032.6(ADAMTSL4):c.2342G>A (p.Arg781His)

Gene: ADAMTSL4 (ADAMTS like 4; plus strand). Cytogenetic location: 1q21.2.
Variant type: single nucleotide variant.
Coding change: c.2342G>A on transcript NM_019032.6 (MANE Select); coding-DNA position 2342, G replaced by A.
Protein change: p.Arg781His; replaces arginine 781 with histidine.
Molecular consequence: missense variant.
Genome position (GRCh38, 1-based): chr1:150,558,109, G>A. VCF-style: chr1-150558109-G-A. GRCh37 (hg19) VCF-style: chr1-150530585-G-A.
Other names: c.2225G>A, p.Arg742His (NM_001288607.2); c.2411G>A, p.Arg804His (NM_001288608.2); c.2342G>A, p.Arg781His (NM_001378596.1, NM_025008.5); c.2342G>A (NM_019032.4, NM_019032.5); short protein forms R804H, R742H, R781H.
Identifiers: ClinVar variation 2165533 (VCV002165533.3), dbSNP rs774178865, ClinGen allele CA1078627.

ClinVar aggregate classification (germline): Uncertain significance. Review status: criteria provided, multiple submitters, no conflicts (2 of 4 stars). 3 submissions from 3 submitters: Uncertain significance (3). Last evaluated 2025-12-31.

Conditions:
Inborn genetic diseases. Identifiers: MedGen C0950123, MeSH D030342.
ADAMTSL4-related disorder. Also called: ADAMTSL4-Related Disorders; ADAMTSL4-related condition.

Allele frequency attached by ClinVar (database versions not stated): gnomAD 0.00003; ExAC 0.00010.
gnomAD v4.1: 81 of 1,613,226 alleles (0.005%); highest among the groups gnomAD compares: South Asian, 0.045%; no homozygotes.

Submissions (3):

PreventionGenetics, part of Exact Sciences
Classification: Uncertain significance for ADAMTSL4-related condition. Last evaluated: 2025-12-31. Review status: criteria provided, single submitter. Criteria: ACMG Guidelines, 2015. Collection method: clinical testing. Allele origin: germline.
Comment: The ADAMTSL4 c.2342G>A variant is predicted to result in the amino acid substitution p.Arg781His. To our knowledge, this variant has not been reported in the literature. This variant is reported in 0.049% of alleles in individuals of South Asian descent in gnomAD. At this time, the clinical significance of this variant is uncertain due to the absence of conclusive functional and genetic evidence.

Ambry Genetics
Classification: Uncertain significance for Inborn genetic diseases. Last evaluated: 2024-03-01. Review status: criteria provided, single submitter. Criteria: Ambry Variant Classification Scheme 2023. Collection method: clinical testing. Allele origin: germline.

Labcorp Genetics (formerly Invitae), Labcorp
Classification: Uncertain significance. Last evaluated: 2022-07-21. Review status: criteria provided, single submitter. Criteria: Invitae Variant Classification Sherloc (09022015). Collection method: clinical testing. Allele origin: germline.
Comment: This sequence change replaces arginine, which is basic and polar, with histidine, which is basic and polar, at codon 781 of the ADAMTSL4 protein (p.Arg781His). This variant is present in population databases (rs774178865, gnomAD 0.05%). This variant has not been reported in the literature in individuals affected with ADAMTSL4-related conditions. Algorithms developed to predict the effect of missense changes on protein structure and function output the following: SIFT: "Tolerated"; PolyPhen-2: "Benign"; Align-GVGD: "Class C0". The histidine amino acid residue is found in multiple mammalian species, which suggests that this missense change does not adversely affect protein function. In summary, the available evidence is currently insufficient to determine the role of this variant in disease. Therefore, it has been classified as a Variant of Uncertain Significance.